The following is an entry in ClinVar:

NM_181703.4(GJA5):c.941A>G (p.Gln314Arg)

Gene: GJA5 (gap junction protein alpha 5; minus strand). Cytogenetic location: 1q21.2.
Variant type: single nucleotide variant.
Coding change: c.941A>G on transcript NM_181703.4 (MANE Select); coding-DNA position 941, A replaced by G.
Protein change: p.Gln314Arg; replaces glutamine 314 with arginine.
Molecular consequence: missense variant.
Genome position (GRCh38, 1-based): chr1:147,758,298, T>C on the plus strand (A>G on the coding strand, the complement: GJA5 is on the minus strand). VCF-style: chr1-147758298-T-C. GRCh37 (hg19) VCF-style: chr1-147230406-T-C.
Other names: c.941A>G, p.Gln314Arg (NM_005266.7); short protein forms Q314R.
Identifiers: ClinVar variation 1001932 (VCV001001932.7), dbSNP rs1663823052, ClinGen allele CA342393928.

ClinVar aggregate classification (germline): Uncertain significance (1 of 4 stars; one submission).

Conditions:
Atrial standstill 1 (ATRST1). Also called: Atrial standstill, digenic (GJA5/SCN5A); ATRIAL CARDIOMYOPATHY WITH HEART BLOCK; CARDIOMYOPATHY, FAMILIAL, WITH CONDUCTION DISTURBANCE. Identifiers: Orphanet 1344, MedGen C4551959, MONDO:0007171, OMIM 108770.
Atrial fibrillation, familial, 11 (ATFB11). Identifiers: MedGen C3279693, MONDO:0013544, OMIM 614049.

Allele frequency attached by ClinVar (database versions not stated): TOPMed below 0.00001.

Submission:

Labcorp Genetics (formerly Invitae), Labcorp
Classification: Uncertain significance for Atrial fibrillation, familial, 11; Atrial standstill 1. Last evaluated: 2023-01-18. Review status: criteria provided, single submitter. Criteria: Invitae Variant Classification Sherloc (09022015). Collection method: clinical testing. Allele origin: germline.
Comment: This sequence change replaces glutamine, which is neutral and polar, with arginine, which is basic and polar, at codon 314 of the GJA5 protein (p.Gln314Arg). This variant is not present in population databases (gnomAD no frequency). This variant has not been reported in the literature in individuals affected with GJA5-related conditions. ClinVar contains an entry for this variant (Variation ID: 1001932). An algorithm developed to predict the effect of missense changes on protein structure and function (PolyPhen-2) suggests that this variant is likely to be tolerated. In summary, the available evidence is currently insufficient to determine the role of this variant in disease. Therefore, it has been classified as a Variant of Uncertain Significance.